The following is an entry in ClinVar:

ClinVar aggregate classification (germline): Conflicting classifications of pathogenicity. Review status: criteria provided, conflicting classifications (1 of 4 stars). 3 submissions from 3 submitters: Uncertain significance (2); Likely benign (1). Last evaluated 2025-06-18.

Allele frequency attached by ClinVar (database versions not stated): gnomAD exomes 0.00001 and 0.00003; ExAC 0.00004; gnomAD 0.00003; TOPMed 0.00004.
gnomAD v4.1: 23 of 1,613,224 alleles (0.0014%); highest among the groups gnomAD compares: Admixed American, 0.01%; no homozygotes.

Submissions (3):

Dasa
Classification: Uncertain significance. Last evaluated: 2025-06-18. Review status: criteria provided, single submitter. Criteria: DASA Assertion Criteria. Collection method: clinical testing. Allele origin: germline.
Comment: NM_032119.4(ADGRV1):c.1946A>G (p.Asn649Ser) is a missense variant that results in the substitution of asparagine with serine. This variant is rare in population databases. Computational prediction algorithms are consistent with a benign effect. The currently available literature and clinical evidence are not sufficient to establish a definitive association between this variant and the reported condition. Therefore, this variant is classified as a variant of uncertain significance.

Labcorp Genetics (formerly Invitae), Labcorp
Classification: Likely benign. Last evaluated: 2024-03-15. Review status: criteria provided, single submitter. Criteria: Invitae Variant Classification Sherloc (09022015). Collection method: clinical testing. Allele origin: germline.

Blueprint Genetics
Classification: Uncertain significance. Last evaluated: 2022-09-05. Review status: criteria provided, single submitter. Criteria: ACMG Guidelines, 2015. Collection method: clinical testing. Allele origin: germline.

NM_032119.4(ADGRV1):c.1946A>G (p.Asn649Ser)

Gene: ADGRV1 (adhesion G protein-coupled receptor V1; plus strand). Cytogenetic location: 5q14.3.
Variant type: single nucleotide variant.
Coding change: c.1946A>G on transcript NM_032119.4 (MANE Select); coding-DNA position 1946, A replaced by G.
Protein change: p.Asn649Ser; replaces asparagine 649 with serine.
Molecular consequence: missense variant. On other transcripts: non-coding transcript variant (1).
Genome position (GRCh38, 1-based): chr5:90,635,220, A>G. VCF-style: chr5-90635220-A-G. GRCh37 (hg19) VCF-style: chr5-89931037-A-G.
Other names: short protein forms N649S.
Identifiers: ClinVar variation 858605 (VCV000858605.12), dbSNP rs745618695, ClinGen allele CA3338784.